The following is an entry in ClinVar:

NM_000051.4(ATM):c.3356C>A (p.Ala1119Asp)

Gene: ATM (ATM serine/threonine kinase; plus strand). Cytogenetic location: 11q22.3.
Variant type: single nucleotide variant.
Coding change: c.3356C>A on transcript NM_000051.4 (MANE Select); coding-DNA position 3356, C replaced by A.
Protein change: p.Ala1119Asp; replaces alanine 1119 with aspartic acid.
Molecular consequence: missense variant.
Genome position (GRCh38, 1-based): chr11:108,279,562, C>A. VCF-style: chr11-108279562-C-A. GRCh37 (hg19) VCF-style: chr11-108150289-C-A.
Other names: c.3356C>A, p.Ala1119Asp (NM_001351834.2); short protein forms A1119D.
Identifiers: ClinVar variation 231073 (VCV000231073.15), dbSNP rs778882461, ClinGen allele CA10579100.

ClinVar aggregate classification (germline): Uncertain significance. Review status: criteria provided, multiple submitters, no conflicts (2 of 4 stars). 2 submissions from 2 submitters: Uncertain significance (2). Last evaluated 2025-07-27.

Conditions:
Ataxia-telangiectasia syndrome (AT). Also called: Ataxia telangiectasia (A-T); Ataxia-telangiectasia, complementation group E; LOUIS-BAR SYNDROME; Cerebello-oculocutaneous telangiectasia; Immunodeficiency with ataxia telangiectasia; Ataxia-telangiectasia, complementation group D. Identifiers: Orphanet 100, MedGen C0004135, MONDO:0008840, OMIM 208900.
Hereditary cancer-predisposing syndrome. Also called: Hereditary Cancer Syndrome; Neoplastic Syndromes, Hereditary; Tumor predisposition; Hereditary neoplastic syndrome. Identifiers: Orphanet 140162, MedGen C0027672, MeSH D009386, MONDO:0015356.

Submissions (2):

Labcorp Genetics (formerly Invitae), Labcorp
Classification: Uncertain significance for Ataxia-telangiectasia syndrome. Last evaluated: 2025-07-27. Review status: criteria provided, single submitter. Criteria: Invitae Variant Classification Sherloc (09022015). Collection method: clinical testing. Allele origin: germline.
Comment: This sequence change replaces alanine, which is neutral and non-polar, with aspartic acid, which is acidic and polar, at codon 1119 of the ATM protein (p.Ala1119Asp). This variant is not present in population databases (gnomAD no frequency). This variant has not been reported in the literature in individuals affected with ATM-related conditions. ClinVar contains an entry for this variant (Variation ID: 231073). Invitae Evidence Modeling of protein sequence and biophysical properties (such as structural, functional, and spatial information, amino acid conservation, physicochemical variation, residue mobility, and thermodynamic stability) has been performed for this missense variant. However, the output from this modeling did not meet the statistical confidence thresholds required to predict the impact of this variant on ATM protein function. In summary, the available evidence is currently insufficient to determine the role of this variant in disease. Therefore, it has been classified as a Variant of Uncertain Significance.

Ambry Genetics
Classification: Uncertain significance for Hereditary cancer-predisposing syndrome. Last evaluated: 2018-06-12. Review status: criteria provided, single submitter. Criteria: Ambry Variant Classification Scheme 2023. Collection method: clinical testing. Allele origin: germline.
Comment: The p.A1119D variant (also known as c.3356C>A), located in coding exon 22 of the ATM gene, results from a C to A substitution at nucleotide position 3356. The alanine at codon 1119 is replaced by aspartic acid, an amino acid with dissimilar properties. Based on protein sequence alignment, this amino acid position is well conserved in available vertebrate species. In addition, this alteration is predicted to be deleterious by in silico analysis. Since supporting evidence is limited at this time, the clinical significance of this alteration remains unclear.